The following is an entry in ClinVar:

ClinVar aggregate classification (germline): Conflicting classifications of pathogenicity. Review status: criteria provided, conflicting classifications (1 of 4 stars). 10 submissions from 10 submitters: Uncertain significance (9); Likely benign (1). Last evaluated 2026-03-01.

Conditions:
Retinal dystrophy. Also called: Inherited retinal dystrophy. Identifiers: Orphanet 71862, MedGen C0854723, MeSH D058499, MONDO:0019118, HP:0000556.
Retinitis pigmentosa 38 (RP38). Also called: ROD-CONE DYSTROPHY, CHILDHOOD-ONSET. Identifiers: Orphanet 791, MedGen C3151228, MONDO:0013469, OMIM 613862.

gnomAD v4.1: 56 of 1,614,214 alleles (0.0035%); highest among the groups gnomAD compares: Middle Eastern, 0.33%; no homozygotes.

Submissions (10):

CeGaT Center for Human Genetics Tuebingen
Classification: Uncertain significance. Last evaluated: 2026-03-01. Review status: criteria provided, single submitter. Criteria: CeGaT Center For Human Genetics Tuebingen Variant Classification Criteria Version 2. Collection method: clinical testing. Allele origin: germline. Affected: yes. Observed: 1 variant allele.
Comment: MERTK: PM2

Genomic Medicine Center of Excellence, King Faisal Specialist Hospital and Research Centre
Classification: Uncertain significance for Retinitis pigmentosa 38. Last evaluated: 2024-03-25. Review status: criteria provided, single submitter. Criteria: ACMG Guidelines, 2015. Collection method: clinical testing. Allele origin: germline.

Blueprint Genetics
Classification: Uncertain significance. Last evaluated: 2024-03-13. Review status: criteria provided, single submitter. Criteria: ACMG Guidelines, 2015. Collection method: clinical testing. Allele origin: germline.

GeneDx
Classification: Likely benign. Last evaluated: 2022-12-02. Review status: criteria provided, single submitter. Criteria: GeneDx Variant Classification Process June 2021. Collection method: clinical testing. Allele origin: germline. Affected: yes.
Comment: Reported in an individual with Leber congenital amaurosis who also harbored a homozygous pathogenic variant in another gene responsible for this phenotype (Eisenberger et al., 2013); In silico analysis supports that this missense variant has a deleterious effect on protein structure/function; This variant is associated with the following publications: (PMID: 24265693)

Labcorp Genetics (formerly Invitae), Labcorp
Classification: Uncertain significance. Last evaluated: 2022-10-03. Review status: criteria provided, single submitter. Criteria: Invitae Variant Classification Sherloc (09022015). Collection method: clinical testing. Allele origin: germline.
Comment: This sequence change replaces tyrosine, which is neutral and polar, with serine, which is neutral and polar, at codon 812 of the MERTK protein (p.Tyr812Ser). This variant is present in population databases (rs141361084, gnomAD 0.02%). This missense change has been observed in individual(s) with Leber congenital amaurosis (PMID: 24265693). ClinVar contains an entry for this variant (Variation ID: 403082). Advanced modeling of protein sequence and biophysical properties (such as structural, functional, and spatial information, amino acid conservation, physicochemical variation, residue mobility, and thermodynamic stability) performed at Invitae indicates that this missense variant is expected to disrupt MERTK protein function. In summary, the available evidence is currently insufficient to determine the role of this variant in disease. Therefore, it has been classified as a Variant of Uncertain Significance.

Baylor Genetics
Classification: Uncertain significance for Retinitis pigmentosa 38. Last evaluated: 2020-06-03. Review status: criteria provided, single submitter. Criteria: ACMG Guidelines, 2015. Collection method: clinical testing. Allele origin: unknown. Affected: yes.
Comment: This variant was determined to be of uncertain significance according to ACMG Guidelines, 2015 [PMID:25741868].

Institute of Human Genetics, Univ. Regensburg, Univ. Regensburg
Classification: Uncertain significance for Retinal dystrophy. Last evaluated: 2020-01-01. Review status: criteria provided, single submitter. Criteria: ACMG Guidelines, 2015. Collection method: clinical testing. Allele origin: germline. Affected: yes.

Eurofins Ntd Llc (ga)
Classification: Uncertain significance. Last evaluated: 2017-01-12. Review status: criteria provided, single submitter. Criteria: EGL Classification Definitions 2015. Collection method: clinical testing. Allele origin: germline. Observed: 1 variant allele, 1 heterozygote.

Laboratory for Molecular Medicine, Mass General Brigham Personalized Medicine
Classification: Uncertain significance. Last evaluated: 2016-03-29. Review status: criteria provided, single submitter. Criteria: LMM Criteria. Collection method: clinical testing. Allele origin: germline.
Comment: Variant identified in a genome or exome case(s) and assessed due to predicted null impact of the variant or pathogenic assertions in the literature or databases. Disclaimer: This variant has not undergone full assessment. The following are preliminary notes: Gene associated with RP - not related to our patient's phenotype. This variant is reported in one individual with Leber congenital amaurosis who carreid a homozygous frameshift variant in another RP gen- RPGRIP1 (Eisenberger_2013_24265693).

Breakthrough Genomics
Classification: Uncertain significance. Review status: criteria provided, single submitter. Criteria: ACMG Guidelines, 2015. Collection method: not provided. Allele origin: germline. Inheritance: Autosomal recessive inheritance. Affected: yes.

Literature cited by the submitters: PubMed 24265693 (cited by Labcorp Genetics (formerly Invitae), Labcorp and Institute of Human Genetics, Univ. Regensburg, Univ. Regensburg).

NM_006343.3(MERTK):c.2435A>C (p.Tyr812Ser)

Gene: MERTK (MER proto-oncogene, tyrosine kinase; plus strand). Cytogenetic location: 2q13.
Variant type: single nucleotide variant.
Coding change: c.2435A>C on transcript NM_006343.3 (MANE Select); coding-DNA position 2435, A replaced by C.
Protein change: p.Tyr812Ser; replaces tyrosine 812 with serine.
Molecular consequence: missense variant.
Genome position (GRCh38, 1-based): chr2:112,022,343, A>C. VCF-style: chr2-112022343-A-C. GRCh37 (hg19) VCF-style: chr2-112779920-A-C.
Other names: short protein forms Y812S.
Identifiers: ClinVar variation 403082 (VCV000403082.20), dbSNP rs141361084, ClinGen allele CA1831830.